The following is an entry in ClinVar:

NM_000262.3(NAGA):c.653del (p.Ile218fs)

Gene: NAGA (alpha-N-acetylgalactosaminidase; minus strand). Cytogenetic location: 22q13.2.
Variant type: Deletion.
Coding change: c.653del on transcript NM_000262.3 (MANE Select); coding-DNA position 653, one base deleted (T; older notation c.653delT).
Protein change: p.Ile218fs; shifts the reading frame from isoleucine 218.
Molecular consequence: frameshift variant.
Genome position (GRCh38, 1-based): chr22:42,065,844, A deleted on the plus strand (T on the coding strand, the reverse complement: NAGA is on the minus strand). VCF-style (leftmost placement, unchanged base first): chr22-42065843-GA-G. GRCh37 (hg19) VCF-style: chr22-42461847-GA-G.
Other names: c.653del, p.Ile218fs (NM_001362848.1, NM_001362850.1); short protein forms I218fs.
Identifiers: ClinVar variation 5016172 (VCV005016172.1).

ClinVar aggregate classification (germline): Pathogenic (1 of 4 stars; one submission).

Conditions:
Alpha-N-acetylgalactosaminidase deficiency. Identifiers: Orphanet 3137, MedGen C5848084, MONDO:0017779.

Submission:

Myriad Genetics, Inc.
Classification: Pathogenic for Alpha-N-acetylgalactosaminidase deficiency. Last evaluated: 2026-07-28. Review status: criteria provided, single submitter. Criteria: Myriad Autosomal Dominant, Autosomal Recessive and X-Linked Classification Criteria (2023). Collection method: clinical testing. Allele origin: unknown.
Comment: NM_000262.2(NAGA):c.653delT(I218Tfs*12) is expected to be pathogenic in the context of NAGA-related disorders. This variant is predicted to lead to an abnormal or absent protein product due to the creation of a premature termination codon in NAGA, a gene where loss-of-function variants are known to be pathogenic. Please note: this variant was assessed in the context of healthy population screening.